The following is an entry in ClinVar:

NM_000202.8(IDS):c.323_325del (p.Tyr108del)

Gene: IDS (iduronate 2-sulfatase; minus strand). Cytogenetic location: Xq28.
Variant type: Deletion.
Coding change: c.323_325del on transcript NM_000202.8 (MANE Select); coding-DNA positions 323 to 325, 3 bases deleted (ACT; older notation c.323_325delACT).
Protein change: p.Tyr108del; deletes tyrosine 108.
Molecular consequence: inframe deletion. On other transcripts: non-coding transcript variant (1).
Genome position (GRCh38, 1-based): chrX:149,503,405-149,503,407, AGT deleted on the plus strand (ACT on the coding strand, the reverse complement: IDS is on the minus strand); deleting any 3 consecutive bases within chrX:149,503,405-149,503,409 gives the same sequence; the c. name uses the placement nearest the transcript's 3' end. VCF-style (leftmost placement, unchanged base first): chrX-149503404-CAGT-C. GRCh37 (hg19) VCF-style: chrX-148584934-CAGT-C.
Other names: c.53_55del, p.Tyr18del (NM_001166550.4); c.323_325del, p.Tyr108del (NM_006123.5); short protein forms Y108del, Y18del.
Identifiers: ClinVar variation 3255668 (VCV003255668.2).

ClinVar aggregate classification (germline): Pathogenic (1 of 4 stars; one submission).

Conditions:
Mucopolysaccharidosis, MPS-II (MPS2). Also called: Hunter Syndrome; IDURONATE 2-SULFATASE DEFICIENCY; Mucopolysaccharidosis Type II; Mucopolysaccharidosis type 2; Attenuated MPS (subtype; formerly known as mild MPS II); Severe MPS II. Identifiers: Orphanet 580, Orphanet 79388, MedGen C0026705, MONDO:0010674, OMIM 309900.

Submission:

Laboratory of Diagnosis and Therapy of Lysosomal Disorders, University of Padova
Classification: Pathogenic for Mucopolysaccharidosis, MPS-II. Last evaluated: 2024-06-07. Review status: criteria provided, single submitter. Criteria: ACMG Guidelines, 2015. Collection method: literature only. Allele origin: germline. Affected: yes. Observed: 1 variant allele.
Comment: Absent from controls (or at low frequency) in gnomAD database (PM2_Moderate), Protein length changes in a nonrepeat region or stop–loss variants (PM4_Strong), Multiple lines of computational evidence support a deleterious effect (PP3_Supporting), Patient’s phenotype or family history highly specific for the disease (PP4_Strong)

Classification method: ACMG Guidelines [PMID:25741868] with modifications

Literature cited by the submitters: PubMed 35005816.